The following is an entry in ClinVar:

ClinVar aggregate classification (germline): Benign. Review status: criteria provided, multiple submitters, no conflicts (2 of 4 stars). 2 submissions from 2 submitters: Benign (2). Last evaluated 2018-01-12.

Conditions:
Dermatofibrosis lenticularis disseminata (BOS). Also called: DERMATOFIBROSIS LENTICULARIS DISSEMINATA WITH OSTEOPOIKILOSIS; DERMATOOSTEOPOIKILOSIS; OSTEOPATHIA CONDENSANS DISSEMINATA. Identifiers: Orphanet 1306, MedGen C0265514, MONDO:0008157, OMIM 166700.

Allele frequency attached by ClinVar (database versions not stated): gnomAD 0.00270 and 0.00590; TOPMed 0.00422; 1000 Genomes Project 30x 0.03092; 1000 Genomes Project 0.03255.

Submissions (2):

Illumina Laboratory Services, Illumina
Classification: Benign for Dermatofibrosis lenticularis disseminata. Last evaluated: 2018-01-12. Review status: criteria provided, single submitter. Criteria: ICSL Variant Classification Criteria 13 December 2019. Collection method: clinical testing. Allele origin: germline.
Comment: This variant was observed in the ICSL laboratory as part of a predisposition screen in an ostensibly healthy population. It had not been previously curated by ICSL or reported in the Human Gene Mutation Database (HGMD: prior to June 1st, 2018), and was therefore a candidate for classification through an automated scoring system. Utilizing variant allele frequency, disease prevalence and penetrance estimates, and inheritance mode, an automated score was calculated to assess if this variant is too frequent to cause the disease. Based on the score and internal cut-off values, a variant classified as benign is not then subjected to further curation. The score for this variant resulted in a classification of benign for this disease.

Breakthrough Genomics
Classification: Benign. Review status: criteria provided, single submitter. Criteria: ACMG Guidelines, 2015. Collection method: not provided. Allele origin: germline. Inheritance: Autosomal dominant inheritance. Affected: yes.

NM_014319.5(LEMD3):c.*915G>T

Gene: LEMD3 (LEM domain containing 3; plus strand). Cytogenetic location: 12q14.3.
Variant type: single nucleotide variant.
Coding change: c.*915G>T on transcript NM_014319.5 (MANE Select); 915 bases downstream of the stop codon, G replaced by T.
Molecular consequence: 3 prime UTR variant.
Genome position (GRCh38, 1-based): chr12:65,247,240, G>T. VCF-style: chr12-65247240-G-T. GRCh37 (hg19) VCF-style: chr12-65641020-G-T.
Other names: c.*915G>T (NM_001167614.2).
Identifiers: ClinVar variation 310253 (VCV000310253.6), dbSNP rs117013092, ClinGen allele CA10643217.